The following is an entry in ClinVar:

NM_002609.4(PDGFRB):c.945C>T (p.Tyr315=)

Gene: PDGFRB (platelet derived growth factor receptor beta; minus strand). Cytogenetic location: 5q32.
Variant type: single nucleotide variant.
Coding change: c.945C>T on transcript NM_002609.4 (MANE Select); coding-DNA position 945, C replaced by T.
Protein change: p.Tyr315=; no amino-acid change (tyrosine 315 retained).
Molecular consequence: synonymous variant.
Genome position (GRCh38, 1-based): chr5:150,132,932, G>A on the plus strand (C>T on the coding strand, the complement: PDGFRB is on the minus strand). VCF-style: chr5-150132932-G-A. GRCh37 (hg19) VCF-style: chr5-149512495-G-A.
Other names: c.753C>T, p.Tyr251= (NM_001355016.2); c.462C>T, p.Tyr154= (NM_001355017.2).
Identifiers: ClinVar variation 772768 (VCV000772768.36), dbSNP rs56069016, ClinGen allele CA3508147.

ClinVar aggregate classification (germline): Benign/Likely benign. Review status: criteria provided, multiple submitters, no conflicts (2 of 4 stars). 4 submissions from 4 submitters: Benign (3); Likely benign (1). Last evaluated 2025-12-15.

Conditions:
Skeletal overgrowth-craniofacial dysmorphism-hyperelastic skin-white matter lesions syndrome. Also called: SKELETAL OVERGROWTH WITH FACIAL DYSMORPHISM, HYPERELASTIC SKIN, WHITE MATTER LESIONS, AND NEUROLOGIC DETERIORATION; Kosaki overgrowth syndrome. Identifiers: Orphanet 477831, MedGen C4225270, MONDO:0014704, OMIM 616592.
Acroosteolysis-keloid-like lesions-premature aging syndrome. Also called: Premature aging syndrome, Penttinen type; Prematurely aged appearance, delayed bone maturation, acro-osteolysis, and brachydactyly; Progeroid syndrome, Penttinen type. Identifiers: Orphanet 363665, MedGen C1866182, MONDO:0011150, OMIM 601812.
Infantile myofibromatosis (IMF). Also called: Congenital generalized fibromatosis. Identifiers: Orphanet 2591, MedGen C0432284, MONDO:0016824.
Basal ganglia calcification, idiopathic, 4 (PFBC4). Also called: PRIMARY FAMILIAL BRAIN CALCIFICATION 4, AUTOSOMAL DOMINANT; Familial Idiopathic Basal Ganglia Calcification 4. Identifiers: Orphanet 1980, MedGen C3554321, MONDO:0014004, OMIM 615007.

Allele frequency attached by ClinVar (database versions not stated): ExAC 0.00089; TOPMed 0.00215; gnomAD 0.00232 and 0.00247; gnomAD exomes 0.00054; 1000 Genomes Project 0.00140; ESP Exome Variant Server 0.00216; 1000 Genomes Project 30x 0.00156.
gnomAD v4.1: 742 of 1,560,278 alleles (0.048%); highest among the groups gnomAD compares: African/African-American, 0.82%; 8 homozygotes.

Submissions (4):

Labcorp Genetics (formerly Invitae), Labcorp
Classification: Benign for Basal ganglia calcification, idiopathic, 4; Skeletal overgrowth-craniofacial dysmorphism-hyperelastic skin-white matter lesions syndrome; Infantile myofibromatosis; Acroosteolysis-keloid-like lesions-premature aging syndrome. Last evaluated: 2025-12-15. Review status: criteria provided, single submitter. Criteria: Invitae Variant Classification Sherloc (09022015). Collection method: clinical testing. Allele origin: germline.

Blueprint Genetics
Classification: Likely benign. Last evaluated: 2024-07-16. Review status: criteria provided, single submitter. Criteria: ACMG Guidelines, 2015. Collection method: clinical testing. Allele origin: germline.

CeGaT Center for Human Genetics Tuebingen
Classification: Benign. Last evaluated: 2022-08-01. Review status: criteria provided, single submitter. Criteria: CeGaT Center For Human Genetics Tuebingen Variant Classification Criteria Version 2. Collection method: clinical testing. Allele origin: germline. Affected: yes. Observed: 1 variant allele.
Comment: PDGFRB: BS1, BS2

GeneDx
Classification: Benign. Last evaluated: 2021-01-20. Review status: criteria provided, single submitter. Criteria: GeneDx Variant Classification Process June 2021. Collection method: clinical testing. Allele origin: germline. Affected: yes.